The following is an entry in ClinVar:

NM_001261826.3(AP3D1):c.1250+4C>T

Gene: AP3D1 (adaptor related protein complex 3 subunit delta 1; minus strand). Cytogenetic location: 19p13.3.
Variant type: single nucleotide variant.
Coding change: c.1250+4C>T on transcript NM_001261826.3 (MANE Select); 4 bases into the intron after coding-DNA position 1250, C replaced by T.
Molecular consequence: intron variant.
Genome position (GRCh38, 1-based): chr19:2,121,159, G>A on the plus strand (C>T on the coding strand, the complement: AP3D1 is on the minus strand). VCF-style: chr19-2121159-G-A. GRCh37 (hg19) VCF-style: chr19-2121158-G-A.
Other names: c.1250+4C>T (NM_003938.8, NM_001374799.1).
Identifiers: ClinVar variation 2893840 (VCV002893840.3), dbSNP rs575594574, ClinGen allele CA9059382.

ClinVar aggregate classification (germline): Uncertain significance (1 of 4 stars; one submission).

Allele frequency attached by ClinVar (database versions not stated): gnomAD 0.00001; ExAC 0.00001; TOPMed 0.00002; 1000 Genomes Project 30x 0.00016; gnomAD exomes 0.00001; 1000 Genomes Project 0.00020.
gnomAD v4.1: 16 of 1,614,152 alleles (0.00099%); highest among the groups gnomAD compares: Middle Eastern, 0.016%; no homozygotes.

Submission:

Labcorp Genetics (formerly Invitae), Labcorp
Classification: Uncertain significance. Last evaluated: 2026-02-01. Review status: criteria provided, single submitter. Criteria: Invitae Variant Classification Sherloc (09022015). Collection method: clinical testing. Allele origin: germline.
Comment: This sequence change falls in intron 13 of the AP3D1 gene. It does not directly change the encoded amino acid sequence of the AP3D1 protein. It affects a nucleotide within the consensus splice site. This variant is present in population databases (rs575594574, gnomAD 0.0009%). This variant has not been reported in the literature in individuals affected with AP3D1-related conditions. ClinVar contains an entry for this variant (Variation ID: 2893840). Variants that disrupt the consensus splice site are a relatively common cause of aberrant splicing (PMID: 17576681, 9536098). Algorithms developed to predict the effect of sequence changes on RNA splicing suggest that this variant may disrupt the consensus splice site. In summary, the available evidence is currently insufficient to determine the role of this variant in disease. Therefore, it has been classified as a Variant of Uncertain Significance.

Literature cited by the submitters: PubMed 17576681; PubMed 9536098.